The following is an entry in ClinVar:

NM_001273.5(CHD4):c.1793G>A (p.Arg598Gln)

Gene: CHD4 (chromodomain helicase DNA binding protein 4; minus strand). Cytogenetic location: 12p13.31.
Variant type: single nucleotide variant.
Coding change: c.1793G>A on transcript NM_001273.5 (MANE Select); coding-DNA position 1793, G replaced by A.
Protein change: p.Arg598Gln; replaces arginine 598 with glutamine.
Molecular consequence: missense variant.
Genome position (GRCh38, 1-based): chr12:6,597,993, C>T on the plus strand (G>A on the coding strand, the complement: CHD4 is on the minus strand). VCF-style: chr12-6597993-C-T. GRCh37 (hg19) VCF-style: chr12-6707159-C-T.
Other names: c.1772G>A, p.Arg591Gln (NM_001297553.2); c.1754G>A, p.Arg585Gln (NM_001363606.2); short protein forms R585Q, R591Q, R598Q.
Identifiers: ClinVar variation 4084945 (VCV004084945.8).

ClinVar aggregate classification (germline): Uncertain significance (1 of 4 stars; one submission).

Submission:

CeGaT Center for Human Genetics Tuebingen
Classification: Uncertain significance. Last evaluated: 2025-08-01. Review status: criteria provided, single submitter. Criteria: CeGaT Center For Human Genetics Tuebingen Variant Classification Criteria Version 2. Collection method: clinical testing. Allele origin: germline. Affected: yes. Observed: 1 variant allele.
Comment: CHD4: PM2, PS2:Moderate, PP3